The following is an entry in ClinVar:

ClinVar aggregate classification (germline): Likely benign (0 of 4 stars; one submission).

Conditions:
TBC1D1-related disorder. Also called: TBC1D1-related condition.

Allele frequency attached by ClinVar (database versions not stated): ExAC 0.00012; 1000 Genomes Project 30x 0.00016; 1000 Genomes Project 0.00020; ESP Exome Variant Server 0.00054; gnomAD 0.00056; TOPMed 0.00087.
gnomAD v4.1: 158 of 1,613,426 alleles (0.0098%); highest among the groups gnomAD compares: African/African-American, 0.15%; no homozygotes.

Submission:

PreventionGenetics, part of Exact Sciences
Classification: Likely benign for TBC1D1-related condition. Last evaluated: 2022-11-08. Review status: no assertion criteria provided. Collection method: clinical testing. Allele origin: germline.
Comment: This variant is classified as likely benign based on ACMG/AMP sequence variant interpretation guidelines (Richards et al. 2015 PMID: 25741868, with internal and published modifications).

NM_001396959.1(TBC1D1):c.1674C>G (p.Ser558Arg)

Gene: TBC1D1 (TBC1 domain family member 1; plus strand). Cytogenetic location: 4p14.
Variant type: single nucleotide variant.
Coding change: c.1674C>G on transcript NM_001396959.1 (MANE Select); coding-DNA position 1674, C replaced by G.
Protein change: p.Ser558Arg; replaces serine 558 with arginine.
Molecular consequence: missense variant.
Genome position (GRCh38, 1-based): chr4:38,049,662, C>G. VCF-style: chr4-38049662-C-G. GRCh37 (hg19) VCF-style: chr4-38051283-C-G.
Other names: c.1674C>G, p.Ser558Arg (NM_001253912.2, NM_015173.4); short protein forms S558R.
Identifiers: ClinVar variation 3051725 (VCV003051725.2), dbSNP rs148173697, ClinGen allele CA2887832.